The following is an entry in ClinVar:

ClinVar aggregate classification (germline): Uncertain significance. Review status: criteria provided, multiple submitters, no conflicts (2 of 4 stars). 2 submissions from 2 submitters: Uncertain significance (2). Last evaluated 2026-04-14.

Conditions:
RPS6KA3-related disorder. Also called: RPS6KA3-related condition.

Submissions (2):

PreventionGenetics, part of Exact Sciences
Classification: Uncertain significance for RPS6KA3-related condition. Last evaluated: 2026-04-14. Review status: criteria provided, single submitter. Criteria: ACMG Guidelines, 2015. Collection method: clinical testing. Allele origin: germline.
Comment: The RPS6KA3 c.1043C>T variant is predicted to result in the amino acid substitution p.Thr348Met. To our knowledge, this variant has not been reported in the literature. This variant is reported in 0.017% of alleles in individuals of African descent in gnomAD. Although we suspect that this variant may be benign, at this time, the clinical significance of this variant is uncertain due to the absence of conclusive functional and genetic evidence.

Blueprint Genetics
Classification: Uncertain significance. Last evaluated: 2019-03-25. Review status: criteria provided, single submitter. Criteria: ACMG Guidelines, 2015. Collection method: clinical testing. Allele origin: germline.

NM_004586.3(RPS6KA3):c.1043C>T (p.Thr348Met)

Gene: RPS6KA3 (ribosomal protein S6 kinase A3; minus strand). Cytogenetic location: Xp22.12.
Variant type: single nucleotide variant.
Coding change: c.1043C>T on transcript NM_004586.3 (MANE Select); coding-DNA position 1043, C replaced by T.
Protein change: p.Thr348Met; replaces threonine 348 with methionine.
Molecular consequence: missense variant.
Genome position (GRCh38, 1-based): chrX:20,176,309, G>A on the plus strand (C>T on the coding strand, the complement: RPS6KA3 is on the minus strand). VCF-style: chrX-20176309-G-A. GRCh37 (hg19) VCF-style: chrX-20194427-G-A.
Other names: c.1043C>T (NM_004586.2); c.959C>T, p.Thr320Met (NM_001438340.1); short protein forms T320M, T348M.
Identifiers: ClinVar variation 4949224 (VCV004949224.2).
Genomic context (GRCh38, chrX:20,176,309, plus strand): 5'-CCTTTGGGAGTTTTTGCAGTAAACTCAGGATCAAAATAGAATGTATCTTCAGGCCTGCCC[G>A]TTGCAGGTTTAAATGGCGGATGAATTTCTCTTCTATACAGTTTCTGGAGGGGAAAAAAAA-3'
Protein context (NP_004577.1, residues 338-358): REIHPPFKPA[Thr348Met]GRPEDTFYFD